The following is an entry in ClinVar:

NM_199420.4(POLQ):c.5141A>G (p.His1714Arg)

Gene: POLQ (DNA polymerase theta; minus strand). Cytogenetic location: 3q13.33.
Variant type: single nucleotide variant.
Coding change: c.5141A>G on transcript NM_199420.4 (MANE Select); coding-DNA position 5141, A replaced by G.
Protein change: p.His1714Arg; replaces histidine 1714 with arginine.
Molecular consequence: missense variant.
Genome position (GRCh38, 1-based): chr3:121,487,790, T>C on the plus strand (A>G on the coding strand, the complement: POLQ is on the minus strand). VCF-style: chr3-121487790-T-C. GRCh37 (hg19) VCF-style: chr3-121206637-T-C.
Other names: short protein forms H1714R.
Identifiers: ClinVar variation 1745612 (VCV001745612.2), dbSNP rs2546785074, ClinGen allele CA354091787.

ClinVar aggregate classification (germline): Uncertain significance (1 of 4 stars; one submission).

gnomAD v4.1: 1 of 1,610,454 alleles (0.000062%); highest among the groups gnomAD compares: Non-Finnish European, 0.000085%; no homozygotes.

Submission:

Ambry Genetics
Classification: Uncertain significance. Last evaluated: 2022-08-28. Review status: criteria provided, single submitter. Criteria: Ambry Variant Classification Scheme 2023. Collection method: clinical testing. Allele origin: germline.
Comment: The p.H1714R variant (also known as c.5141A>G), located in coding exon 16 of the POLQ gene, results from an A to G substitution at nucleotide position 5141. The histidine at codon 1714 is replaced by arginine, an amino acid with highly similar properties. This amino acid position is conserved. In addition, this alteration is predicted to be tolerated by in silico analysis. Since supporting evidence is limited at this time, the clinical significance of this alteration remains unclear.